The following is an entry in ClinVar:

ClinVar aggregate classification (germline): Uncertain significance (1 of 4 stars; one submission).

Submission:

Dasa
Classification: Uncertain significance. Last evaluated: 2026-08-08. Review status: criteria provided, single submitter. Criteria: DASA Assertion Criteria. Collection method: clinical testing. Allele origin: germline.
Comment: NM_005639.3(SYT1):c.602A>G (p.Lys201Arg) is a missense variant that results in the substitution of lysine with arginine. This variant is absent from population databases. The currently available literature and clinical evidence are not sufficient to establish a definitive association between this variant and the reported condition. Therefore, this variant is classified as a variant of uncertain significance.

NM_005639.3(SYT1):c.602A>G (p.Lys201Arg)

Gene: SYT1 (synaptotagmin 1; plus strand). Cytogenetic location: 12q21.2.
Variant type: single nucleotide variant.
Coding change: c.602A>G on transcript NM_005639.3 (MANE Select); coding-DNA position 602, A replaced by G.
Protein change: p.Lys201Arg; replaces lysine 201 with arginine.
Molecular consequence: missense variant.
Genome position (GRCh38, 1-based): chr12:79,296,196, A>G. VCF-style: chr12-79296196-A-G. GRCh37 (hg19) VCF-style: chr12-79689976-A-G.
Other names: c.602A>G, p.Lys201Arg (NM_001135805.2, NM_001135806.2, NM_001415938.1 and 2 more transcripts); c.593A>G, p.Lys198Arg (NM_001291901.2, NM_001415941.1, NM_001415942.1 and 1 more transcripts); short protein forms K198R, K201R.
Identifiers: ClinVar variation 5020400 (VCV005020400.1).